The following is an entry in ClinVar:

NM_000817.3(GAD1):c.385C>A (p.Arg129Ser)

Gene: GAD1 (glutamate decarboxylase 1; plus strand). Cytogenetic location: 2q31.1.
Variant type: single nucleotide variant.
Coding change: c.385C>A on transcript NM_000817.3 (MANE Select); coding-DNA position 385, C replaced by A.
Protein change: p.Arg129Ser; replaces arginine 129 with serine.
Molecular consequence: missense variant.
Genome position (GRCh38, 1-based): chr2:170,831,030, C>A. VCF-style: chr2-170831030-C-A. GRCh37 (hg19) VCF-style: chr2-171687540-C-A.
Other names: c.385C>A, p.Arg129Ser (NM_013445.4); c.385C>A (NM_000817.2); short protein forms R129S.
Identifiers: ClinVar variation 1484164 (VCV001484164.6), dbSNP rs779472420, ClinGen allele CA1962609.

ClinVar aggregate classification (germline): Uncertain significance. Review status: criteria provided, multiple submitters, no conflicts (2 of 4 stars). 2 submissions from 2 submitters: Uncertain significance (2). Last evaluated 2024-10-15.

Conditions:
Neurodevelopmental disorder with progressive spasticity and brain white matter abnormalities. Also called: CEREBRAL PALSY, SPASTIC QUADRIPLEGIC, 1. Identifiers: Orphanet 210141, Orphanet 641353, MedGen C5436628, MONDO:0033613, OMIM 619026.
Inborn genetic diseases. Identifiers: MedGen C0950123, MeSH D030342.

Allele frequency attached by ClinVar (database versions not stated): TOPMed 0.00002; gnomAD 0.00005.
gnomAD v4.1: 59 of 1,614,026 alleles (0.0037%); highest among the groups gnomAD compares: Non-Finnish European, 0.0049%; no homozygotes.

Submissions (2):

Labcorp Genetics (formerly Invitae), Labcorp
Classification: Uncertain significance for Neurodevelopmental disorder with progressive spasticity and brain white matter abnormalities. Last evaluated: 2024-10-15. Review status: criteria provided, single submitter. Criteria: Invitae Variant Classification Sherloc (09022015). Collection method: clinical testing. Allele origin: germline.
Comment: This sequence change replaces arginine, which is basic and polar, with serine, which is neutral and polar, at codon 129 of the GAD1 protein (p.Arg129Ser). This variant is present in population databases (rs779472420, gnomAD 0.007%). This variant has not been reported in the literature in individuals affected with GAD1-related conditions. ClinVar contains an entry for this variant (Variation ID: 1484164). Invitae Evidence Modeling of protein sequence and biophysical properties (such as structural, functional, and spatial information, amino acid conservation, physicochemical variation, residue mobility, and thermodynamic stability) indicates that this missense variant is not expected to disrupt GAD1 protein function with a negative predictive value of 80%. In summary, the available evidence is currently insufficient to determine the role of this variant in disease. Therefore, it has been classified as a Variant of Uncertain Significance.

Ambry Genetics
Classification: Uncertain significance for Inborn genetic diseases. Last evaluated: 2024-08-27. Review status: criteria provided, single submitter. Criteria: Ambry Variant Classification Scheme 2023. Collection method: clinical testing. Allele origin: germline.